The following is an entry in ClinVar:

NM_015295.3(SMCHD1):c.5476+3A>T

Gene: SMCHD1 (structural maintenance of chromosomes flexible hinge domain containing 1; plus strand). Cytogenetic location: 18p11.32.
Variant type: single nucleotide variant.
Coding change: c.5476+3A>T on transcript NM_015295.3 (MANE Select); 3 bases into the intron after coding-DNA position 5476, A replaced by T.
Molecular consequence: intron variant.
Genome position (GRCh38, 1-based): chr18:2,777,918, A>T. VCF-style: chr18-2777918-A-T. GRCh37 (hg19) VCF-style: chr18-2777916-A-T.
Identifiers: ClinVar variation 4721510 (VCV004721510.1).

ClinVar aggregate classification (germline): Uncertain significance (1 of 4 stars; one submission).

Conditions:
Facioscapulohumeral muscular dystrophy 2 (FSHD2). Also called: FACIOSCAPULOHUMERAL MUSCULAR DYSTROPHY 2, DIGENIC; FSHD2, DIGENIC; MUSCULAR DYSTROPHY, FACIOSCAPULOHUMERAL, TYPE 1B. Identifiers: Orphanet 269, MedGen C1834671, MONDO:0008031, OMIM 158901.

Submission:

Labcorp Genetics (formerly Invitae), Labcorp
Classification: Uncertain significance for Facioscapulohumeral muscular dystrophy 2. Last evaluated: 2025-06-17. Review status: criteria provided, single submitter. Criteria: Invitae Variant Classification Sherloc (09022015). Collection method: clinical testing. Allele origin: germline.
Comment: This sequence change falls in intron 43 of the SMCHD1 gene. It does not directly change the encoded amino acid sequence of the SMCHD1 protein. It affects a nucleotide within the consensus splice site. This variant is not present in population databases (gnomAD no frequency). This variant has not been reported in the literature in individuals affected with SMCHD1-related conditions. Variants that disrupt the consensus splice site are a relatively common cause of aberrant splicing (PMID: 17576681, 9536098). Algorithms developed to predict the effect of sequence changes on RNA splicing suggest that this variant may disrupt the consensus splice site. In summary, the available evidence is currently insufficient to determine the role of this variant in disease. Therefore, it has been classified as a Variant of Uncertain Significance.

Literature cited by the submitters: PubMed 17576681; PubMed 9536098.